The following is an entry in ClinVar:

NM_033380.3(COL4A5):c.856G>T (p.Gly286Cys)

Gene: COL4A5 (collagen type IV alpha 5 chain; plus strand). Cytogenetic location: Xq22.3.
Variant type: single nucleotide variant.
Coding change: c.856G>T on transcript NM_033380.3 (MANE Select); coding-DNA position 856, G replaced by T.
Protein change: p.Gly286Cys; replaces glycine 286 with cysteine.
Molecular consequence: missense variant.
Genome position (GRCh38, 1-based): chrX:108,580,703, G>T. VCF-style: chrX-108580703-G-T. GRCh37 (hg19) VCF-style: chrX-107823933-G-T.
Other names: c.856G>T, p.Gly286Cys (NM_000495.5); short protein forms G286C.
Identifiers: ClinVar variation 2578285 (VCV002578285.1), dbSNP rs754975157, ClinGen allele CA10488592.

ClinVar aggregate classification (germline): Uncertain significance (1 of 4 stars; one submission).

Submission:

GeneDx
Classification: Uncertain significance. Last evaluated: 2023-03-02. Review status: criteria provided, single submitter. Criteria: GeneDx Variant Classification Process June 2021. Collection method: clinical testing. Allele origin: germline. Affected: yes.
Comment: Not observed at significant frequency in large population cohorts (gnomAD); In silico analysis supports that this missense variant has a deleterious effect on protein structure/function; Has not been previously published as pathogenic or benign to our knowledge